The following is an entry in ClinVar:

ClinVar aggregate classification (germline): Uncertain significance. Review status: criteria provided, multiple submitters, no conflicts (2 of 4 stars). 2 submissions from 2 submitters: Uncertain significance (2). Last evaluated 2023-06-15.

Allele frequency attached by ClinVar (database versions not stated): ExAC 0.00001.
gnomAD v4.1: 4 of 1,613,890 alleles (0.00025%); highest among the groups gnomAD compares: Non-Finnish European, 0.00025%; no homozygotes.

Submissions (2):

GeneDx
Classification: Uncertain significance. Last evaluated: 2023-06-15. Review status: criteria provided, single submitter. Criteria: GeneDx Variant Classification Process June 2021. Collection method: clinical testing. Allele origin: germline. Affected: yes.
Comment: In silico analysis supports that this missense variant does not alter protein structure/function; Has not been previously published as pathogenic or benign to our knowledge

Labcorp Genetics (formerly Invitae), Labcorp
Classification: Uncertain significance. Last evaluated: 2022-11-19. Review status: criteria provided, single submitter. Criteria: Invitae Variant Classification Sherloc (09022015). Collection method: clinical testing. Allele origin: germline.
Comment: In summary, the available evidence is currently insufficient to determine the role of this variant in disease. Therefore, it has been classified as a Variant of Uncertain Significance. Algorithms developed to predict the effect of missense changes on protein structure and function are either unavailable or do not agree on the potential impact of this missense change (SIFT: "Deleterious"; PolyPhen-2: "Not Available"; Align-GVGD: "Class C0"). This variant has not been reported in the literature in individuals affected with COL4A1-related conditions. This variant is present in population databases (rs751180466, gnomAD 0.0009%). This sequence change replaces arginine, which is basic and polar, with threonine, which is neutral and polar, at codon 1668 of the COL4A1 protein (p.Arg1668Thr).

NM_001845.6(COL4A1):c.5003G>C (p.Arg1668Thr)

Gene: COL4A1 (collagen type IV alpha 1 chain; minus strand). Cytogenetic location: 13q34.
Variant type: single nucleotide variant.
Coding change: c.5003G>C on transcript NM_001845.6 (MANE Select); coding-DNA position 5003, G replaced by C.
Protein change: p.Arg1668Thr; replaces arginine 1668 with threonine.
Molecular consequence: missense variant.
Genome position (GRCh38, 1-based): chr13:110,150,370, C>G on the plus strand (G>C on the coding strand, the complement: COL4A1 is on the minus strand). VCF-style: chr13-110150370-C-G. GRCh37 (hg19) VCF-style: chr13-110802717-C-G.
Other names: c.5003G>C (NM_001845.4); short protein forms R1668T.
Identifiers: ClinVar variation 2785505 (VCV002785505.4), dbSNP rs751180466, ClinGen allele CA7046733.